The following is an entry in ClinVar:

ClinVar aggregate classification (germline): Uncertain significance. Review status: criteria provided, multiple submitters, no conflicts (2 of 4 stars). 2 submissions from 2 submitters: Uncertain significance (2). Last evaluated 2025-05-21.

Conditions:
Atypical hemolytic-uremic syndrome with I factor anomaly. Also called: HEMOLYTIC UREMIC SYNDROME, ATYPICAL, SUSCEPTIBILITY TO, 3; AHUS, SUSCEPTIBILITY TO, 3. Identifiers: Orphanet 2134, MedGen C2752039, MONDO:0013041, OMIM 612923.
Factor I deficiency (CFID). Also called: Complement factor I deficiency. Identifiers: Orphanet 200418, MedGen C3463916, MONDO:0012594, OMIM 610984.
Age related macular degeneration 13. Identifiers: MedGen C3809523, MONDO:0014189, OMIM 615439.

Submissions (2):

Labcorp Genetics (formerly Invitae), Labcorp
Classification: Uncertain significance. Last evaluated: 2025-05-21. Review status: criteria provided, single submitter. Criteria: Invitae Variant Classification Sherloc (09022015). Collection method: clinical testing. Allele origin: germline.
Comment: This sequence change replaces methionine, which is neutral and non-polar, with threonine, which is neutral and polar, at codon 532 of the CFI protein (p.Met532Thr). This variant is not present in population databases (gnomAD no frequency). This variant has not been reported in the literature in individuals affected with CFI-related conditions. ClinVar contains an entry for this variant (Variation ID: 3589735). Invitae Evidence Modeling of protein sequence and biophysical properties (such as structural, functional, and spatial information, amino acid conservation, physicochemical variation, residue mobility, and thermodynamic stability) indicates that this missense variant is not expected to disrupt CFI protein function with a negative predictive value of 80%. In summary, the available evidence is currently insufficient to determine the role of this variant in disease. Therefore, it has been classified as a Variant of Uncertain Significance.

Fulgent Genetics
Classification: Uncertain significance for Factor I deficiency; Atypical hemolytic-uremic syndrome with I factor anomaly; Age related macular degeneration 13. Last evaluated: 2024-02-03. Review status: criteria provided, single submitter. Criteria: ACMG Guidelines, 2015. Collection method: clinical testing. Allele origin: germline.

NM_000204.5(CFI):c.1595T>C (p.Met532Thr)

Gene: CFI (complement factor I; minus strand). Cytogenetic location: 4q25.
Variant type: single nucleotide variant.
Coding change: c.1595T>C on transcript NM_000204.5 (MANE Select); coding-DNA position 1595, T replaced by C.
Protein change: p.Met532Thr; replaces methionine 532 with threonine.
Molecular consequence: missense variant. On other transcripts: non-coding transcript variant (3), intron variant (5).
Genome position (GRCh38, 1-based): chr4:109,741,050, A>G on the plus strand (T>C on the coding strand, the complement: CFI is on the minus strand). VCF-style: chr4-109741050-A-G. GRCh37 (hg19) VCF-style: chr4-110662206-A-G.
Other names: c.1619T>C, p.Met540Thr (NM_001318057.2); c.1574T>C, p.Met525Thr (NM_001331035.2); c.1538T>C, p.Met513Thr (NM_001375283.1); c.986T>C, p.Met329Thr (NM_001375284.1); c.1513+1441T>C (NM_001375282.1, NM_001375280.1); c.1534+1441T>C (NM_001375281.1, NM_001375279.1); c.1558+1441T>C (NM_001375278.1); short protein forms M532T, M329T, M540T, M513T, M525T.
Identifiers: ClinVar variation 3589735 (VCV003589735.2).